The following is an entry in ClinVar:

ClinVar aggregate classification (germline): Uncertain significance (1 of 4 stars; one submission).

gnomAD v4.1: 1 of 1,614,110 alleles (0.000062%); highest among the groups gnomAD compares: South Asian, 0.0011%; no homozygotes.

Submission:

Labcorp Genetics (formerly Invitae), Labcorp
Classification: Uncertain significance. Last evaluated: 2025-07-13. Review status: criteria provided, single submitter. Criteria: Invitae Variant Classification Sherloc (09022015). Collection method: clinical testing. Allele origin: germline.
Comment: This sequence change replaces proline, which is neutral and non-polar, with leucine, which is neutral and non-polar, at codon 1674 of the RAI1 protein (p.Pro1674Leu). This variant is not present in population databases (gnomAD no frequency). This variant has not been reported in the literature in individuals affected with RAI1-related conditions. Invitae Evidence Modeling of protein sequence and biophysical properties (such as structural, functional, and spatial information, amino acid conservation, physicochemical variation, residue mobility, and thermodynamic stability) indicates that this missense variant is expected to disrupt RAI1 protein function with a positive predictive value of 80%. In summary, the available evidence is currently insufficient to determine the role of this variant in disease. Therefore, it has been classified as a Variant of Uncertain Significance.

NM_030665.4(RAI1):c.5021C>T (p.Pro1674Leu)

Gene: RAI1 (retinoic acid induced 1; plus strand). Cytogenetic location: 17p11.2.
Variant type: single nucleotide variant.
Coding change: c.5021C>T on transcript NM_030665.4 (MANE Select); coding-DNA position 5021, C replaced by T.
Protein change: p.Pro1674Leu; replaces proline 1674 with leucine.
Molecular consequence: missense variant.
Genome position (GRCh38, 1-based): chr17:17,797,969, C>T. VCF-style: chr17-17797969-C-T. GRCh37 (hg19) VCF-style: chr17-17701283-C-T.
Other names: short protein forms P1674L.
Identifiers: ClinVar variation 4742424 (VCV004742424.1).